The following is an entry in ClinVar:

ClinVar aggregate classification (germline): Uncertain significance (1 of 4 stars; one submission).

Submission:

GeneDx
Classification: Uncertain significance. Last evaluated: 2021-04-08. Review status: criteria provided, single submitter. Criteria: GeneDx Variant Classification Process June 2021. Collection method: clinical testing. Allele origin: germline. Affected: yes.
Comment: Not observed in large population cohorts (Lek et al., 2016); Nonsense variant predicted to result in protein truncation as the last 87 amino acids are lost, although loss-of-function variants have not been reported downstream of this position in the protein; Has not been previously published as pathogenic or benign to our knowledge

NM_001145358.2(SIN3A):c.3561T>A (p.Tyr1187Ter)

Gene: SIN3A (SIN3 transcription regulator family member A; minus strand). Cytogenetic location: 15q24.2.
Variant type: single nucleotide variant.
Coding change: c.3561T>A on transcript NM_001145358.2 (MANE Select); coding-DNA position 3561, T replaced by A.
Protein change: p.Tyr1187Ter; replaces tyrosine 1187 with a stop codon.
Molecular consequence: nonsense.
Genome position (GRCh38, 1-based): chr15:75,375,695, A>T on the plus strand (T>A on the coding strand, the complement: SIN3A is on the minus strand). VCF-style: chr15-75375695-A-T. GRCh37 (hg19) VCF-style: chr15-75668036-A-T.
Other names: c.3561T>A, p.Tyr1187Ter (NM_001145357.2, NM_015477.3); short protein forms Y1187*.
Identifiers: ClinVar variation 1314367 (VCV001314367.2), dbSNP rs2141368589, ClinGen allele CA393485289.